The following is an entry in ClinVar:

ClinVar aggregate classification (germline): Uncertain significance (1 of 4 stars; one submission).

Conditions:
BDP1-related disorder. Also called: BDP1-related condition.

gnomAD v4.1: 6 of 1,613,762 alleles (0.00037%); highest among the groups gnomAD compares: Middle Eastern, 0.016%; no homozygotes.

Submission:

PreventionGenetics, part of Exact Sciences
Classification: Uncertain significance for BDP1-related condition. Last evaluated: 2026-07-30. Review status: criteria provided, single submitter. Criteria: ACMG Guidelines, 2015. Collection method: clinical testing. Allele origin: germline.
Comment: The BDP1 c.2497G>A variant is predicted to result in the amino acid substitution p.Val833Ile. To our knowledge, this variant has not been reported in the literature. This variant is reported in 0.028% of alleles in individuals of East Asian descent in gnomAD. At this time, the clinical significance of this variant is uncertain due to the absence of conclusive functional and genetic evidence.

NM_018429.3(BDP1):c.2497G>A (p.Val833Ile)

Gene: BDP1 (BDP1 general transcription factor IIIB subunit; plus strand). Cytogenetic location: 5q13.2.
Variant type: single nucleotide variant.
Coding change: c.2497G>A on transcript NM_018429.3 (MANE Select); coding-DNA position 2497, G replaced by A.
Protein change: p.Val833Ile; replaces valine 833 with isoleucine.
Molecular consequence: missense variant.
Genome position (GRCh38, 1-based): chr5:71,509,589, G>A. VCF-style: chr5-71509589-G-A. GRCh37 (hg19) VCF-style: chr5-70805416-G-A.
Other names: short protein forms V833I.
Identifiers: ClinVar variation 4980144 (VCV004980144.1).
Genomic context (GRCh38, chr5:71,509,589, plus strand): 5'-AAACCAAAGCCAAATATAGGAAGAGGAACTGGAAGGAGAGAAATTTCCTCAAAGGAAGAG[G>A]TACTAGAGAAGATTCTTGTCTCTGGGGAAATGGCGGCAGCATTGAGAGAAACTGTAAGAC-3'
Protein context (NP_060899.2, residues 823-843): GRREISSKEE[Val833Ile]LEKILVSGEM